The following is an entry in ClinVar:

NM_001146.5(ANGPT1):c.453+3A>G

Gene: ANGPT1 (angiopoietin 1; minus strand). Cytogenetic location: 8q23.1.
Variant type: single nucleotide variant.
Coding change: c.453+3A>G on transcript NM_001146.5 (MANE Select); 3 bases into the intron after coding-DNA position 453, A replaced by G.
Molecular consequence: intron variant.
Genome position (GRCh38, 1-based): chr8:107,346,939, T>C on the plus strand (A>G on the coding strand, the complement: ANGPT1 is on the minus strand). VCF-style: chr8-107346939-T-C. GRCh37 (hg19) VCF-style: chr8-108359167-T-C.
Other names: c.453+3A>G (NM_001199859.3).
Identifiers: ClinVar variation 1009739 (VCV001009739.7), dbSNP rs374760754, ClinGen allele CA4841372.

ClinVar aggregate classification (germline): Uncertain significance (1 of 4 stars; one submission).

Allele frequency attached by ClinVar (database versions not stated): ExAC 0.00001; gnomAD 0.00001; gnomAD exomes 0.00001 and 0.00002; TOPMed 0.00001; ESP Exome Variant Server 0.00008.
gnomAD v4.1: 24 of 1,609,304 alleles (0.0015%); highest among the groups gnomAD compares: African/African-American, 0.0027%; no homozygotes.

Submission:

Labcorp Genetics (formerly Invitae), Labcorp
Classification: Uncertain significance. Last evaluated: 2025-02-06. Review status: criteria provided, single submitter. Criteria: Invitae Variant Classification Sherloc (09022015). Collection method: clinical testing. Allele origin: germline.
Comment: This sequence change falls in intron 2 of the ANGPT1 gene. It does not directly change the encoded amino acid sequence of the ANGPT1 protein. It affects a nucleotide within the consensus splice site. This variant is present in population databases (rs374760754, gnomAD 0.01%). This variant has not been reported in the literature in individuals affected with ANGPT1-related conditions. ClinVar contains an entry for this variant (Variation ID: 1009739). Variants that disrupt the consensus splice site are a relatively common cause of aberrant splicing (PMID: 17576681, 9536098). Algorithms developed to predict the effect of sequence changes on RNA splicing suggest that this variant may disrupt the consensus splice site. In summary, the available evidence is currently insufficient to determine the role of this variant in disease. Therefore, it has been classified as a Variant of Uncertain Significance.

Literature cited by the submitters: PubMed 17576681; PubMed 9536098.